The following is an entry in ClinVar:

ClinVar aggregate classification (germline): Uncertain significance. Review status: criteria provided, multiple submitters, no conflicts (2 of 4 stars). 2 submissions from 2 submitters: Uncertain significance (2). Last evaluated 2025-10-07.

Conditions:
Dilated cardiomyopathy 1KK (CMD1KK). Identifiers: Orphanet 154, Orphanet 75249, MedGen C3714995, MONDO:0014100, OMIM 615248.

Allele frequency attached by ClinVar (database versions not stated): gnomAD exomes below 0.00001.
gnomAD v4.1: 2 of 1,614,054 alleles (0.00012%); highest among the groups gnomAD compares: Non-Finnish European, 0.00017%; no homozygotes.

Submissions (2):

Women's Health and Genetics/Laboratory Corporation of America, LabCorp
Classification: Uncertain significance. Last evaluated: 2025-10-07. Review status: criteria provided, single submitter. Criteria: LabCorp Variant Classification Summary - May 2015. Collection method: clinical testing. Allele origin: germline.

Labcorp Genetics (formerly Invitae), Labcorp
Classification: Uncertain significance for Dilated cardiomyopathy 1KK. Last evaluated: 2024-12-05. Review status: criteria provided, single submitter. Criteria: Invitae Variant Classification Sherloc (09022015). Collection method: clinical testing. Allele origin: germline.
Comment: This sequence change replaces valine, which is neutral and non-polar, with alanine, which is neutral and non-polar, at codon 703 of the MYPN protein (p.Val703Ala). This variant is not present in population databases (gnomAD no frequency). This variant has not been reported in the literature in individuals affected with MYPN-related conditions. ClinVar contains an entry for this variant (Variation ID: 1011753). An algorithm developed to predict the effect of missense changes on protein structure and function outputs the following: PolyPhen-2: "Benign". The alanine amino acid residue is found in multiple mammalian species, which suggests that this missense change does not adversely affect protein function. In summary, the available evidence is currently insufficient to determine the role of this variant in disease. Therefore, it has been classified as a Variant of Uncertain Significance.

NM_032578.4(MYPN):c.2108T>C (p.Val703Ala)

Gene: MYPN (myopalladin; plus strand). Cytogenetic location: 10q21.3.
Variant type: single nucleotide variant.
Coding change: c.2108T>C on transcript NM_032578.4 (MANE Select); coding-DNA position 2108, T replaced by C.
Protein change: p.Val703Ala; replaces valine 703 with alanine.
Molecular consequence: missense variant. On other transcripts: non-coding transcript variant (2).
Genome position (GRCh38, 1-based): chr10:68,174,200, T>C. VCF-style: chr10-68174200-T-C. GRCh37 (hg19) VCF-style: chr10-69933957-T-C.
Other names: c.2108T>C, p.Val703Ala (NM_001256267.2); c.1226T>C, p.Val409Ala (NM_001256268.2); short protein forms V409A, V703A.
Identifiers: ClinVar variation 1011753 (VCV001011753.9), dbSNP rs2043188479, ClinGen allele CA376844537.